The following is an entry in ClinVar:

NM_000059.4(BRCA2):c.4325C>T (p.Ser1442Leu)

Gene: BRCA2 (BRCA2 DNA repair associated; plus strand). Cytogenetic location: 13q13.1.
Variant type: single nucleotide variant.
Coding change: c.4325C>T on transcript NM_000059.4 (MANE Select); coding-DNA position 4325, C replaced by T.
Protein change: p.Ser1442Leu; replaces serine 1442 with leucine.
Molecular consequence: missense variant.
Genome position (GRCh38, 1-based): chr13:32,338,680, C>T. VCF-style: chr13-32338680-C-T. GRCh37 (hg19) VCF-style: chr13-32912817-C-T.
Other names: short protein forms S1442L.
Identifiers: ClinVar variation 934294 (VCV000934294.13), dbSNP rs80358670, ClinGen allele CA387780833.

ClinVar aggregate classification (germline): Conflicting classifications of pathogenicity. Review status: criteria provided, conflicting classifications (1 of 4 stars). 4 submissions from 4 submitters: Uncertain significance (3); Likely benign (1). Last evaluated 2026-04-16.

Conditions:
Hereditary cancer-predisposing syndrome. Also called: Hereditary Cancer Syndrome; Neoplastic Syndromes, Hereditary; Tumor predisposition; Hereditary neoplastic syndrome. Identifiers: Orphanet 140162, MedGen C0027672, MeSH D009386, MONDO:0015356.
Hereditary breast ovarian cancer syndrome. Also called: Hereditary breast and ovarian cancer syndrome (HBOC); Hereditary breast and/or ovarian cancer syndrome; BRCA1- and BRCA2-Associated Hereditary Breast and Ovarian Cancer; Hereditary breast and ovarian cancer; Breast and ovarian cancer; Hereditary breast and ovarian cancer syndrome. Identifiers: Orphanet 145, MedGen C0677776, MeSH D061325, MONDO:0003582. Disease mechanism: loss of function.
Breast-ovarian cancer, familial, susceptibility to, 2 (BROVCA2). Also called: BRCA2 Hereditary Breast and Ovarian Cancer. Identifiers: Orphanet 145, MedGen C2675520, MONDO:0012933, OMIM 612555. Disease mechanism: loss of function.

Submissions (4):

Ambry Genetics
Classification: Uncertain significance for Hereditary cancer-predisposing syndrome. Last evaluated: 2026-04-16. Review status: criteria provided, single submitter. Criteria: Ambry Variant Classification Scheme 2023. Collection method: clinical testing. Allele origin: germline.
Comment: The p.S1442L variant (also known as c.4325C>T), located in coding exon 10 of the BRCA2 gene, results from a C to T substitution at nucleotide position 4325. The serine at codon 1442 is replaced by leucine, an amino acid with dissimilar properties. This amino acid position is well conserved in available vertebrate species. In addition, the in silico prediction for this alteration is inconclusive. Based on the available evidence, the clinical significance of this variant remains unclear.

Labcorp Genetics (formerly Invitae), Labcorp
Classification: Uncertain significance for Hereditary breast ovarian cancer syndrome. Last evaluated: 2024-07-18. Review status: criteria provided, single submitter. Criteria: Invitae Variant Classification Sherloc (09022015). Collection method: clinical testing. Allele origin: germline.
Comment: This sequence change replaces serine, which is neutral and polar, with leucine, which is neutral and non-polar, at codon 1442 of the BRCA2 protein (p.Ser1442Leu). This variant is not present in population databases (gnomAD no frequency). This missense change has been observed in individual(s) with pancreatic cancer (PMID: 35171259). ClinVar contains an entry for this variant (Variation ID: 934294). Advanced modeling of protein sequence and biophysical properties (such as structural, functional, and spatial information, amino acid conservation, physicochemical variation, residue mobility, and thermodynamic stability) performed at Invitae indicates that this missense variant is not expected to disrupt BRCA2 protein function with a negative predictive value of 95%. In summary, the available evidence is currently insufficient to determine the role of this variant in disease. Therefore, it has been classified as a Variant of Uncertain Significance.

All of Us Research Program, National Institutes of Health
Classification: Uncertain significance for Breast-ovarian cancer, familial, susceptibility to, 2. Last evaluated: 2023-04-27. Review status: criteria provided, single submitter. Criteria: ACMG Guidelines, 2015. Collection method: clinical testing. Allele origin: germline. Inheritance: Autosomal dominant inheritance. Observed: 1 variant allele, 1 heterozygote.
Comment: This study involves interpretation of variants in research participants for the purpose of population health screening. Participant phenotype was not available at the time of variant classification. Additional details can be found in publication PMID: 35346344, PMCID: PMC8962531

University of Washington Department of Laboratory Medicine, University of Washington
Classification: Likely benign for Hereditary cancer-predisposing syndrome. Last evaluated: 2023-03-23. Review status: criteria provided, single submitter. Criteria: Dines et al. (Genet Med. 2020). Collection method: curation. Allele origin: germline.
Comment: Missense variant in a coldspot region where missense variants are very unlikely to be pathogenic (PMID:31911673).

BRCA2 exon 11 coldspot. Reclassification based on statistical prior probability.

Literature cited by the submitters: PubMed 35171259 (cited by Labcorp Genetics (formerly Invitae), Labcorp).